The following is an entry in ClinVar:

ClinVar aggregate classification (germline): Uncertain significance (1 of 4 stars; one submission).

Submission:

Labcorp Genetics (formerly Invitae), Labcorp
Classification: Uncertain significance. Last evaluated: 2024-11-05. Review status: criteria provided, single submitter. Criteria: Invitae Variant Classification Sherloc (09022015). Collection method: clinical testing. Allele origin: germline.
Comment: This sequence change replaces proline, which is neutral and non-polar, with arginine, which is basic and polar, at codon 113 of the PDYN protein (p.Pro113Arg). This variant is not present in population databases (gnomAD no frequency). This variant has not been reported in the literature in individuals affected with PDYN-related conditions. ClinVar contains an entry for this variant (Variation ID: 2090815). Invitae Evidence Modeling of protein sequence and biophysical properties (such as structural, functional, and spatial information, amino acid conservation, physicochemical variation, residue mobility, and thermodynamic stability) indicates that this missense variant is not expected to disrupt PDYN protein function with a negative predictive value of 80%. In summary, the available evidence is currently insufficient to determine the role of this variant in disease. Therefore, it has been classified as a Variant of Uncertain Significance.

NM_024411.5(PDYN):c.338C>G (p.Pro113Arg)

Genes: PDYN (prodynorphin; minus strand), PDYN-AS1 (PDYN antisense RNA 1; plus strand). Cytogenetic location: 20p13.
Variant type: single nucleotide variant.
Coding change: c.338C>G on transcript NM_024411.5 (MANE Select); coding-DNA position 338, C replaced by G.
Protein change: p.Pro113Arg; replaces proline 113 with arginine.
Molecular consequence: missense variant.
Genome position (GRCh38, 1-based): chr20:1,980,750, G>C on the plus strand (C>G on the coding strand, the complement: PDYN is on the minus strand). VCF-style: chr20-1980750-G-C. GRCh37 (hg19) VCF-style: chr20-1961396-G-C.
Other names: c.338C>G, p.Pro113Arg (NM_001190892.1, NM_001190898.3, NM_001190899.2 and 1 more transcripts); short protein forms P113R.
Identifiers: ClinVar variation 2090815 (VCV002090815.4), dbSNP rs2514337531, ClinGen allele CA408003364.